The following is an entry in ClinVar:

NM_206933.4(USH2A):c.14583-20C>G

Gene: USH2A (usherin; minus strand). Cytogenetic location: 1q41.
Variant type: single nucleotide variant.
Coding change: c.14583-20C>G on transcript NM_206933.4 (MANE Select); 20 bases into the intron before coding-DNA position 14583, C replaced by G.
Molecular consequence: intron variant.
Genome position (GRCh38, 1-based): chr1:215,647,750, G>C on the plus strand (C>G on the coding strand, the complement: USH2A is on the minus strand). VCF-style: chr1-215647750-G-C. GRCh37 (hg19) VCF-style: chr1-215821092-G-C.
Identifiers: ClinVar variation 4535936 (VCV004535936.1).

ClinVar aggregate classification (germline): Uncertain significance (1 of 4 stars; one submission).

gnomAD v4.1: 1 of 1,612,492 alleles (0.000062%); highest among the groups gnomAD compares: Non-Finnish European, 0.000085%; no homozygotes.

Submission:

Women's Health and Genetics/Laboratory Corporation of America, LabCorp
Classification: Uncertain significance. Last evaluated: 2025-09-01. Review status: criteria provided, single submitter. Criteria: LabCorp Variant Classification Summary - May 2015. Collection method: clinical testing. Allele origin: germline.
Comment: Variant summary: USH2A c.14583-20C>G alters a nucleotide located at a position not widely known to affect splicing. Several computational tools predict a significant impact on normal splicing: Two predict the variant creates a 5' donor site. Four predict the variant creates a 3' acceptor site. Two predict the variant weakens a 3' acceptor site. However, these predictions have yet to be confirmed by functional studies. The variant allele was found at a frequency of 4e-06 in 249966 control chromosomes. The available data on variant occurrences in the general population are insufficient to allow any conclusion about variant significance. c.14583-20C>G has been observed in individual(s) affected with Usher Syndrome or Retinitis Pigmentosa (Perrache_2016, Reurink_2021). These data do not allow any conclusion about variant significance. To our knowledge, no experimental evidence demonstrating an impact on protein function has been reported. The following publications have been ascertained in the context of this evaluation (PMID: 26927203, 34203967). No submitters have cited clinical-significance assessments for this variant to ClinVar. Based on the evidence outlined above, the variant was classified as uncertain significance.

Literature cited by the submitters: PubMed 26927203; PubMed 34203967.